The following is an entry in ClinVar:

ClinVar aggregate classification (germline): Uncertain significance (1 of 4 stars; one submission).

Conditions:
Arrhythmogenic right ventricular cardiomyopathy (ARVD). Also called: Arrhythmogenic right ventricular dysplasia; Cardiomyopathy, ARVC; Arrhythmogenic cardiomyopathy; Arrhythmogenic Right Ventricular Cardiomyopathy (ARVC). Identifiers: Orphanet 247, MedGen C0349788, MeSH D019571, MONDO:0016587. Disease mechanism: loss of function. Inheritance: Various modes of inheritance.

Submission:

All of Us Research Program, National Institutes of Health
Classification: Uncertain significance for Arrhythmogenic right ventricular cardiomyopathy. Last evaluated: 2023-08-08. Review status: criteria provided, single submitter. Criteria: ACMG Guidelines, 2015. Collection method: clinical testing. Allele origin: germline. Inheritance: Autosomal dominant inheritance. Observed: 1 variant allele, 1 heterozygote.
Comment: This missense variant replaces glutamic acid with glutamine at codon 110 of the DSG2 protein. Computational prediction suggests that this variant may not impact protein structure and function (internally defined REVEL score threshold <= 0.5, PMID: 27666373). To our knowledge, functional studies have not been reported for this variant. This variant has not been reported in individuals affected with DSG2-related disorders in the literature. This variant has not been identified in the general population by the Genome Aggregation Database (gnomAD). The available evidence is insufficient to determine the role of this variant in disease conclusively. Therefore, this variant is classified as a Variant of Uncertain Significance.

This study involves interpretation of variants in research participants for the purpose of population health screening. Participant phenotype was not available at the time of variant classification. Additional details can be found in publication PMID: 35346344, PMCID: PMC8962531

NM_001943.5(DSG2):c.328G>C (p.Glu110Gln)

Gene: DSG2 (desmoglein 2; plus strand). Cytogenetic location: 18q12.1.
Variant type: single nucleotide variant.
Coding change: c.328G>C on transcript NM_001943.5 (MANE Select); coding-DNA position 328, G replaced by C.
Protein change: p.Glu110Gln; replaces glutamic acid 110 with glutamine.
Molecular consequence: missense variant.
Genome position (GRCh38, 1-based): chr18:31,520,914, G>C. VCF-style: chr18-31520914-G-C. GRCh37 (hg19) VCF-style: chr18-29100877-G-C.
Other names: short protein forms E110Q.
Identifiers: ClinVar variation 3072612 (VCV003072612.1), dbSNP rs2510910857, ClinGen allele CA402131581.